The following is an entry in ClinVar:

NM_015404.4(WHRN):c.2474C>G (p.Thr825Ser)

Gene: WHRN (whirlin; minus strand). Cytogenetic location: 9q32.
Variant type: single nucleotide variant.
Coding change: c.2474C>G on transcript NM_015404.4 (MANE Select); coding-DNA position 2474, C replaced by G.
Protein change: p.Thr825Ser; replaces threonine 825 with serine.
Molecular consequence: missense variant.
Genome position (GRCh38, 1-based): chr9:114,403,284, G>C on the plus strand (C>G on the coding strand, the complement: WHRN is on the minus strand). VCF-style: chr9-114403284-G-C. GRCh37 (hg19) VCF-style: chr9-117165564-G-C.
Other names: c.1325C>G, p.Thr442Ser (NM_001083885.3); c.2471C>G, p.Thr824Ser (NM_001173425.2); c.1421C>G, p.Thr474Ser (NM_001346890.1); c.2474C>G (NM_015404.3); short protein forms T442S, T474S, T824S, T825S.
Identifiers: ClinVar variation 1214527 (VCV001214527.14), dbSNP rs200422759, ClinGen allele CA5205619.
Genomic context (GRCh38, chr9:114,403,284, plus strand): 5'-GTGACAATCCTAGGCAGGGGCTGGCGGGTGTTGGCGCCACCCTCGATGGCGATGCCCAGG[G>C]TGGCCGCACTTTTCTTCACACGGACCAGAGTGGACGTGGGCTCCAGAAGTCCAGGCTGTG-3'
Protein context (NP_056219.3, residues 815-835): TLVRVKKSAA[Thr825Ser]LGIAIEGGAN

ClinVar aggregate classification (germline): Uncertain significance. Review status: criteria provided, multiple submitters, no conflicts (2 of 4 stars). 4 submissions from 4 submitters: Uncertain significance (4). Last evaluated 2025-07-10.

Conditions:
Inborn genetic diseases. Identifiers: MedGen C0950123, MeSH D030342.

Allele frequency attached by ClinVar (database versions not stated): TOPMed 0.00002; gnomAD 0.00004 and 0.00005; 1000 Genomes Project 30x 0.00016; 1000 Genomes Project 0.00020.
gnomAD v4.1: 34 of 1,614,178 alleles (0.0021%); highest among the groups gnomAD compares: Admixed American, 0.053%; no homozygotes.

Submissions (4):

GeneDx
Classification: Uncertain significance. Last evaluated: 2025-07-10. Review status: criteria provided, single submitter. Criteria: GeneDx Variant Classification Process June 2021. Collection method: clinical testing. Allele origin: germline. Affected: yes.
Comment: In silico analysis suggests that this missense variant does not alter protein structure/function; Has not been previously published as pathogenic or benign to our knowledge

Labcorp Genetics (formerly Invitae), Labcorp
Classification: Uncertain significance. Last evaluated: 2024-07-29. Review status: criteria provided, single submitter. Criteria: Invitae Variant Classification Sherloc (09022015). Collection method: clinical testing. Allele origin: germline.
Comment: This sequence change replaces threonine, which is neutral and polar, with serine, which is neutral and polar, at codon 825 of the WHRN protein (p.Thr825Ser). This variant is present in population databases (rs200422759, gnomAD 0.02%). This variant has not been reported in the literature in individuals affected with WHRN-related conditions. ClinVar contains an entry for this variant (Variation ID: 1214527). An algorithm developed to predict the effect of missense changes on protein structure and function (PolyPhen-2) suggests that this variant is likely to be disruptive. In summary, the available evidence is currently insufficient to determine the role of this variant in disease. Therefore, it has been classified as a Variant of Uncertain Significance.

Blueprint Genetics
Classification: Uncertain significance. Last evaluated: 2023-12-29. Review status: criteria provided, single submitter. Criteria: ACMG Guidelines, 2015. Collection method: clinical testing. Allele origin: germline.

Ambry Genetics
Classification: Uncertain significance for Inborn genetic diseases. Last evaluated: 2021-08-13. Review status: criteria provided, single submitter. Criteria: Ambry Variant Classification Scheme 2023. Collection method: clinical testing. Allele origin: germline.